The following is an entry in ClinVar:

ClinVar aggregate classification (germline): Uncertain significance (1 of 4 stars; one submission).

gnomAD v4.1: 3 of 1,614,222 alleles (0.00019%); highest among the groups gnomAD compares: Non-Finnish European, 0.00025%; no homozygotes.

Submission:

Dasa
Classification: Uncertain significance. Last evaluated: 2025-04-11. Review status: criteria provided, single submitter. Criteria: DASA Assertion Criteria. Collection method: clinical testing. Allele origin: germline.
Comment: NM_014319.5(LEMD3):c.1235C>G (p.Pro412Arg) is a missense variant that results in the substitution of proline with arginine. This variant is rare in population databases. Computational prediction algorithms are consistent with a benign effect. The currently available literature and clinical evidence are not sufficient to establish a definitive association between this variant and the reported condition. Therefore, this variant is classified as a variant of uncertain significance.

NM_014319.5(LEMD3):c.1235C>G (p.Pro412Arg)

Gene: LEMD3 (LEM domain containing 3; plus strand). Cytogenetic location: 12q14.3.
Variant type: single nucleotide variant.
Coding change: c.1235C>G on transcript NM_014319.5 (MANE Select); coding-DNA position 1235, C replaced by G.
Protein change: p.Pro412Arg; replaces proline 412 with arginine.
Molecular consequence: missense variant.
Genome position (GRCh38, 1-based): chr12:65,170,831, C>G. VCF-style: chr12-65170831-C-G. GRCh37 (hg19) VCF-style: chr12-65564611-C-G.
Other names: c.1235C>G, p.Pro412Arg (NM_001167614.2); short protein forms P412R.
Identifiers: ClinVar variation 4885707 (VCV004885707.2).
Genomic context (GRCh38, chr12:65,170,831, plus strand): 5'-ATATTGGCGGTGGGGCCTTCAGTGTGGACTCCCCCAGGATTTATTCTAACAGTCTCCCTC[C>G]CAGTGCGGCGGTGGCCGCCTCTAGTTCACTCAGGATCAATCACGCCAATCATACGGGCTC-3'
Protein context (NP_055134.2, residues 402-422): SPRIYSNSLP[Pro412Arg]SAAVAASSSL